The following is an entry in ClinVar:

NM_001385641.1(SAMD11):c.1043G>A (p.Ser348Asn)

Gene: SAMD11 (sterile alpha motif domain containing 11; plus strand). Cytogenetic location: 1p36.33.
Variant type: single nucleotide variant.
Coding change: c.1043G>A on transcript NM_001385641.1 (MANE Select); coding-DNA position 1043, G replaced by A.
Protein change: p.Ser348Asn; replaces serine 348 with asparagine.
Molecular consequence: missense variant.
Genome position (GRCh38, 1-based): chr1:939,115, G>A. VCF-style: chr1-939115-G-A. GRCh37 (hg19) VCF-style: chr1-874495-G-A.
Other names: c.1043G>A, p.Ser348Asn (NM_001385640.1); c.506G>A, p.Ser169Asn (NM_152486.4); short protein forms S169N, S348N.
Identifiers: ClinVar variation 1018511 (VCV001018511.8), dbSNP rs1641610822, ClinGen allele CA337799967.
Genomic context (GRCh38, chr1:939,115, plus strand): 5'-AGAGGCTGGGCCGCTCCCCCCGTATCAGCAGCGACTGCTTTTCAGAGAAGAGGGCACGAA[G>A]CGAATCGCCTCAAGGTAAGAGCGTGGCTGGGACGAGAGACAGGTCACCAGGGGAGGGGGC-3'
Protein context (NP_001372570.1, residues 338-358): SDCFSEKRAR[Ser348Asn]ESPQEALLLP

ClinVar aggregate classification (germline): Uncertain significance (1 of 4 stars; one submission).

Submission:

Labcorp Genetics (formerly Invitae), Labcorp
Classification: Uncertain significance. Last evaluated: 2022-02-10. Review status: criteria provided, single submitter. Criteria: Invitae Variant Classification Sherloc (09022015). Collection method: clinical testing. Allele origin: germline.
Comment: In summary, the available evidence is currently insufficient to determine the role of this variant in disease. Therefore, it has been classified as a Variant of Uncertain Significance. Algorithms developed to predict the effect of missense changes on protein structure and function are either unavailable or do not agree on the potential impact of this missense change (SIFT: "Deleterious"; PolyPhen-2: "Possibly Damaging"; Align-GVGD: "Class C0"). ClinVar contains an entry for this variant (Variation ID: 1018511). This variant has not been reported in the literature in individuals affected with SAMD11-related conditions. This variant is not present in population databases (gnomAD no frequency). This sequence change replaces serine, which is neutral and polar, with asparagine, which is neutral and polar, at codon 169 of the SAMD11 protein (p.Ser169Asn).